The following is an entry in ClinVar:

NM_000059.4(BRCA2):c.6348C>G (p.His2116Gln)

Gene: BRCA2 (BRCA2 DNA repair associated; plus strand). Cytogenetic location: 13q13.1.
Variant type: single nucleotide variant.
Coding change: c.6348C>G on transcript NM_000059.4 (MANE Select); coding-DNA position 6348, C replaced by G.
Protein change: p.His2116Gln; replaces histidine 2116 with glutamine.
Molecular consequence: missense variant. On other transcripts: non-coding transcript variant (1), intron variant (2).
Genome position (GRCh38, 1-based): chr13:32,340,703, C>G. VCF-style: chr13-32340703-C-G. GRCh37 (hg19) VCF-style: chr13-32914840-C-G.
Other names: c.6348C>G, p.His2116Gln (NM_001406719.1, NM_001406720.1, NM_001432077.1); c.1910-3855C>G (NM_001406721.1); c.425-3855C>G (NM_001406722.1); short protein forms H2116Q.
Identifiers: ClinVar variation 4802324 (VCV004802324.1).

ClinVar aggregate classification (germline): Uncertain significance (1 of 4 stars; one submission).

Conditions:
Hereditary breast ovarian cancer syndrome. Also called: Hereditary breast and ovarian cancer syndrome (HBOC); Hereditary breast and ovarian cancer; Breast and ovarian cancer; Hereditary breast and/or ovarian cancer syndrome; BRCA1- and BRCA2-Associated Hereditary Breast and Ovarian Cancer; Hereditary breast and ovarian cancer syndrome. Identifiers: Orphanet 145, MedGen C0677776, MeSH D061325, MONDO:0003582. Disease mechanism: loss of function.

gnomAD v4.1: 1 of 1,609,346 alleles (0.000062%); highest among the groups gnomAD compares: Non-Finnish European, 0.000085%; no homozygotes.

Submission:

Labcorp Genetics (formerly Invitae), Labcorp
Classification: Uncertain significance for Hereditary breast ovarian cancer syndrome. Last evaluated: 2025-09-19. Review status: criteria provided, single submitter. Criteria: Invitae Variant Classification Sherloc (09022015). Collection method: clinical testing. Allele origin: germline.
Comment: This sequence change replaces histidine, which is basic and polar, with glutamine, which is neutral and polar, at codon 2116 of the BRCA2 protein (p.His2116Gln). This variant is present in population databases (no rsID available, gnomAD 0.0009%). This variant has not been reported in the literature in individuals affected with BRCA2-related conditions. Invitae Evidence Modeling of protein sequence and biophysical properties (such as structural, functional, and spatial information, amino acid conservation, physicochemical variation, residue mobility, and thermodynamic stability) indicates that this missense variant is not expected to disrupt BRCA2 protein function with a negative predictive value of 95%. In summary, the available evidence is currently insufficient to determine the role of this variant in disease. Therefore, it has been classified as a Variant of Uncertain Significance.